The following is an entry in ClinVar:

NC_000011.9:g.(1462159_1463719)_(1464370_1464564)del

Gene: BRSK2 (BR serine/threonine kinase 2; plus strand). Cytogenetic location: 11p15.5.
Variant type: Deletion.
Identifiers: ClinVar variation 4536112 (VCV004536112.1).

ClinVar aggregate classification (germline): Likely pathogenic (1 of 4 stars; one submission).

Conditions:
BRSK2-related disorder. Also called: BRSK2-related condition; BRSK2-Related Disorders.

Submission:

Women's Health and Genetics/Laboratory Corporation of America, LabCorp
Classification: Likely pathogenic for BRSK2-Related Disorders. Last evaluated: 2025-09-19. Review status: criteria provided, single submitter. Criteria: LabCorp Variant Classification Summary - May 2015. Collection method: clinical testing. Allele origin: germline.
Comment: Variant summary: The variant involves the deletion of exons 5-6 in the BRSK2 gene. A presumed nomenclature of c.(413+1_414-1)_(564+1_565-1)del has been designated for the purposes of this classification. This Copy Number Variant (CNV) is expected to alter the reading frame and predicted to result in a truncation or absence of the encoded protein due to nonsense mediated decay (NMD) in the NM_001256627.2 transcript. However, the BRSK2 gene has multiple alternative transcript isoforms, and a shorter transcript with high tissue expression levels is also reported (ENST00000533606), where this variant wouldn't affect the coding sequence. The variant was absent in 115174 control chromosomes in the gnomAD database (Structural Variants v4.1 dataset). To our knowledge, no occurrence of c.(413+1_414-1)_(564+1_565-1)del in individuals affected with BRSK2-related conditions and no experimental evidence demonstrating its impact on protein function have been reported. No submitters have cited clinical-significance assessments for this variant to ClinVar. Based on the evidence outlined above, the variant was classified as likely pathogenic.